The following is an entry in ClinVar:

NM_001374736.1(DST):c.16942-8G>A

Gene: DST (dystonin; minus strand). Cytogenetic location: 6p12.1.
Variant type: single nucleotide variant.
Coding change: c.16942-8G>A on transcript NM_001374736.1 (MANE Select); 8 bases into the intron before coding-DNA position 16942, G replaced by A.
Molecular consequence: intron variant.
Genome position (GRCh38, 1-based): chr6:56,532,518, C>T on the plus strand (G>A on the coding strand, the complement: DST is on the minus strand). VCF-style: chr6-56532518-C-T. GRCh37 (hg19) VCF-style: chr6-56397316-C-T.
Other names: c.10585-8G>A (NM_001144769.5); c.16942-8G>A (NM_001374722.1); c.16969-8G>A (NM_001374734.1); c.10171-8G>A (NM_001144770.2); c.10051-8G>A (NM_001374730.1, NM_001386100.1, NM_183380.4); c.16309-8G>A (NM_001374729.1); c.9073-8G>A (NM_015548.5).
Identifiers: ClinVar variation 3751744 (VCV003751744.2).
Genomic context (GRCh38, chr6:56,532,518, plus strand): 5'-CGTTTGATTACCTCCACCGTAGATTTTCGGTCATCCAACAATCTCTGGAGAAGCTTGAGA[C>T]AAAACATTAAATATAAAAAAGCAAGGGAATAATTGTATGAATATAAAGTACAATGTATTC-3'

ClinVar aggregate classification (germline): Uncertain significance (1 of 4 stars; one submission).

Conditions:
Hereditary sensory and autonomic neuropathy type 6. Also called: HSAN VI; Neuropathy, hereditary sensory and autonomic, type VI. Identifiers: Orphanet 314381, MedGen C3539003, MONDO:0013839, OMIM 614653.
Epidermolysis bullosa simplex 3, localized or generalized intermediate, with BP230 deficiency (EBS3). Also called: Epidermolysis bullosa simplex, autosomal recessive 2; Epidermolysis bullosa simplex due to BP230 deficiency. Identifiers: Orphanet 412181, MedGen C3809470, MONDO:0014180, OMIM 615425.

Submission:

Labcorp Genetics (formerly Invitae), Labcorp
Classification: Uncertain significance for Epidermolysis bullosa simplex 3, localized or generalized intermediate, with BP230 deficiency; Hereditary sensory and autonomic neuropathy type 6. Last evaluated: 2024-06-22. Review status: criteria provided, single submitter. Criteria: Invitae Variant Classification Sherloc (09022015). Collection method: clinical testing. Allele origin: germline.
Comment: The DST gene has multiple clinically relevant transcripts. This variant occurs in alternate transcript NM_015548.4, and corresponds to NM_001723.5:c.*82999G>A in the primary transcript. This sequence change falls in intron 44 of the DST gene. It does not directly change the encoded amino acid sequence of the DST protein. This variant is not present in population databases (gnomAD no frequency). This variant has not been reported in the literature in individuals affected with DST-related conditions. Experimental studies and prediction algorithms are not available or were not evaluated, and the effect of this variant on mRNA splicing is currently unknown. In summary, the available evidence is currently insufficient to determine the role of this variant in disease. Therefore, it has been classified as a Variant of Uncertain Significance.